The following is an entry in ClinVar:

NM_005548.3(KARS1):c.63-2684A>T

Gene: KARS1 (lysyl-tRNA synthetase 1; minus strand). Cytogenetic location: 16q23.1.
Variant type: single nucleotide variant.
Coding change: c.63-2684A>T on transcript NM_005548.3 (MANE Select); 2684 bases into the intron before coding-DNA position 63, A replaced by T.
Molecular consequence: intron variant. On other transcripts: missense variant (1).
Genome position (GRCh38, 1-based): chr16:75,644,407, T>A on the plus strand (A>T on the coding strand, the complement: KARS1 is on the minus strand). VCF-style: chr16-75644407-T-A. GRCh37 (hg19) VCF-style: chr16-75678305-T-A.
Other names: c.22A>T, p.Arg8Trp (NM_001130089.2); c.-406-2684A>T (NM_001378148.1); short protein forms R8W.
Identifiers: ClinVar variation 1320943 (VCV001320943.6), dbSNP rs368867504, ClinGen allele CA8177816.

ClinVar aggregate classification (germline): Uncertain significance. Review status: criteria provided, multiple submitters, no conflicts (2 of 4 stars). 3 submissions from 3 submitters: Uncertain significance (3). Last evaluated 2026-01-06.

Allele frequency attached by ClinVar (database versions not stated): TOPMed 0.00009; ESP Exome Variant Server 0.00010; gnomAD exomes 0.00014 and 0.00003; ExAC 0.00004; gnomAD 0.00005.
gnomAD v4.1: 222 of 1,611,648 alleles (0.014%); highest among the groups gnomAD compares: Non-Finnish European, 0.018%; no homozygotes.

Submissions (3):

GeneDx
Classification: Uncertain significance. Last evaluated: 2026-01-06. Review status: criteria provided, single submitter. Criteria: GeneDx Variant Classification Process June 2021. Collection method: clinical testing. Allele origin: germline. Affected: yes.
Comment: In silico analysis supports that this missense variant has a deleterious effect on protein structure/function; Has not been previously published as pathogenic or benign to our knowledge

Labcorp Genetics (formerly Invitae), Labcorp
Classification: Uncertain significance. Last evaluated: 2023-08-17. Review status: criteria provided, single submitter. Criteria: Invitae Variant Classification Sherloc (09022015). Collection method: clinical testing. Allele origin: germline.
Comment: This variant is present in population databases (rs368867504, gnomAD 0.009%). This variant has not been reported in the literature in individuals affected with KARS-related conditions. ClinVar contains an entry for this variant (Variation ID: 1320943). An algorithm developed to predict the effect of missense changes on protein structure and function (PolyPhen-2) suggests that this variant is likely to be disruptive. In summary, the available evidence is currently insufficient to determine the role of this variant in disease. Therefore, it has been classified as a Variant of Uncertain Significance. This sequence change replaces arginine, which is basic and polar, with tryptophan, which is neutral and slightly polar, at codon 8 of the KARS protein (p.Arg8Trp).

Ambry Genetics
Classification: Uncertain significance. Last evaluated: 2022-07-04. Review status: criteria provided, single submitter. Criteria: Ambry Variant Classification Scheme 2023. Collection method: clinical testing. Allele origin: germline.
Comment: The c.22A>T (p.R8W) alteration is located in exon 2 (coding exon 1) of the KARS gene. This alteration results from a A to T substitution at nucleotide position 22, causing the arginine (R) at amino acid position 8 to be replaced by a tryptophan (W). The p.R8W alteration is predicted to be tolerated by in silico analysis. Based on insufficient or conflicting evidence, the clinical significance of this alteration remains unclear.